The following is an entry in ClinVar:

ClinVar aggregate classification (germline): Uncertain significance (1 of 4 stars; one submission).

gnomAD v4.1: 1 of 1,201,135 alleles (0.000083%); highest among the groups gnomAD compares: Non-Finnish European, 0.00011%; no homozygotes.

Submission:

Labcorp Genetics (formerly Invitae), Labcorp
Classification: Uncertain significance. Last evaluated: 2025-08-20. Review status: criteria provided, single submitter. Criteria: Invitae Variant Classification Sherloc (09022015). Collection method: clinical testing. Allele origin: germline.
Comment: This sequence change replaces threonine, which is neutral and polar, with alanine, which is neutral and non-polar, at codon 217 of the NONO protein (p.Thr217Ala). This variant is not present in population databases (gnomAD no frequency). This variant has not been reported in the literature in individuals affected with NONO-related conditions. An algorithm developed to predict the effect of missense changes on protein structure and function (PolyPhen-2) suggests that this variant is likely to be tolerated. In summary, the available evidence is currently insufficient to determine the role of this variant in disease. Therefore, it has been classified as a Variant of Uncertain Significance.

NM_007363.5(NONO):c.649A>G (p.Thr217Ala)

Gene: NONO (non-POU domain containing octamer binding; plus strand). Cytogenetic location: Xq13.1.
Variant type: single nucleotide variant.
Coding change: c.649A>G on transcript NM_007363.5 (MANE Select); coding-DNA position 649, A replaced by G.
Protein change: p.Thr217Ala; replaces threonine 217 with alanine.
Molecular consequence: missense variant.
Genome position (GRCh38, 1-based): chrX:71,294,527, A>G. VCF-style: chrX-71294527-A-G. GRCh37 (hg19) VCF-style: chrX-70514377-A-G.
Other names: c.649A>G, p.Thr217Ala (NM_001145408.2, NM_001145409.2); c.382A>G, p.Thr128Ala (NM_001145410.2); short protein forms T217A, T128A.
Identifiers: ClinVar variation 4765621 (VCV004765621.1).